The following is an entry in ClinVar:

NM_000051.4(ATM):c.7289A>G (p.His2430Arg)

Genes: ATM (ATM serine/threonine kinase; plus strand), C11orf65 (chromosome 11 open reading frame 65; minus strand). Cytogenetic location: 11q22.3.
Variant type: single nucleotide variant.
Coding change: c.7289A>G on transcript NM_000051.4 (MANE Select); coding-DNA position 7289, A replaced by G.
Protein change: p.His2430Arg; replaces histidine 2430 with arginine.
Molecular consequence: missense variant. On other transcripts: intron variant (2).
Genome position (GRCh38, 1-based): chr11:108,329,220, A>G. VCF-style: chr11-108329220-A-G. GRCh37 (hg19) VCF-style: chr11-108199947-A-G.
Other names: c.7289A>G, p.His2430Arg (NM_001351834.2); c.641-20149T>C (NM_001330368.2); c.*38+6000T>C (NM_001351110.2); short protein forms H2430R.
Identifiers: ClinVar variation 186315 (VCV000186315.26), dbSNP rs786202856, ClinGen allele CA194451.

ClinVar aggregate classification (germline): Conflicting classifications of pathogenicity. Review status: criteria provided, conflicting classifications (1 of 4 stars). 7 submissions from 7 submitters: Uncertain significance (6); Benign (1). Last evaluated 2025-09-08.

Conditions:
Hereditary cancer-predisposing syndrome. Also called: Hereditary Cancer Syndrome; Tumor predisposition; Neoplastic Syndromes, Hereditary; Hereditary neoplastic syndrome. Identifiers: Orphanet 140162, MedGen C0027672, MeSH D009386, MONDO:0015356.
Ovarian cancer. Also called: OVARIAN CANCER, SOMATIC. Identifiers: Orphanet 213500, MedGen C1140680, MONDO:0008170, OMIM 167000.
Familial cancer of breast. Also called: hereditary breast carcinoma; BREAST CANCER, FAMILIAL; Hereditary breast cancer. Identifiers: Orphanet 227535, MedGen C0346153, MONDO:0016419, OMIM 114480. Disease mechanism: loss of function.
Ataxia-telangiectasia syndrome (AT). Also called: ATAXIA-TELANGIECTASIA, COMPLEMENTATION GROUP A; ATAXIA-TELANGIECTASIA, FRESNO VARIANT; Ataxia-telangiectasia; Ataxia-telangiectasia, complementation group E; Cerebello-oculocutaneous telangiectasia; Immunodeficiency with ataxia telangiectasia. Identifiers: Orphanet 100, MedGen C0004135, MONDO:0008840, OMIM 208900.

Allele frequency attached by ClinVar (database versions not stated): gnomAD 0.00001; gnomAD exomes below 0.00001; TOPMed below 0.00001.
gnomAD v4.1: 3 of 1,613,452 alleles (0.00019%); highest among the groups gnomAD compares: Non-Finnish European, 0.00025%; no homozygotes.

Submissions (7):

Labcorp Genetics (formerly Invitae), Labcorp
Classification: Uncertain significance for Ataxia-telangiectasia syndrome. Last evaluated: 2025-09-08. Review status: criteria provided, single submitter. Criteria: Invitae Variant Classification Sherloc (09022015). Collection method: clinical testing. Allele origin: germline.
Comment: This sequence change replaces histidine, which is basic and polar, with arginine, which is basic and polar, at codon 2430 of the ATM protein (p.His2430Arg). This variant is not present in population databases (gnomAD no frequency). This variant has not been reported in the literature in individuals affected with ATM-related conditions. ClinVar contains an entry for this variant (Variation ID: 186315). Invitae Evidence Modeling of protein sequence and biophysical properties (such as structural, functional, and spatial information, amino acid conservation, physicochemical variation, residue mobility, and thermodynamic stability) indicates that this missense variant is not expected to disrupt ATM protein function with a negative predictive value of 95%. In summary, the available evidence is currently insufficient to determine the role of this variant in disease. Therefore, it has been classified as a Variant of Uncertain Significance.

GeneDx
Classification: Uncertain significance. Last evaluated: 2024-11-13. Review status: criteria provided, single submitter. Criteria: GeneDx Variant Classification Process June 2021. Collection method: clinical testing. Allele origin: germline. Affected: yes.
Comment: Not observed at significant frequency in large population cohorts (gnomAD); In silico analysis indicates that this missense variant does not alter protein structure/function; Has not been previously published as pathogenic or benign to our knowledge; This variant is associated with the following publications: (PMID: 23532176, Han2018[Abstract])

Baylor Genetics
Classification: Uncertain significance for Familial cancer of breast. Last evaluated: 2024-03-25. Review status: criteria provided, single submitter. Criteria: ACMG Guidelines, 2015. Collection method: clinical testing. Allele origin: unknown.

Color Diagnostics, LLC DBA Color Health
Classification: Uncertain significance for Hereditary cancer-predisposing syndrome. Last evaluated: 2024-03-06. Review status: criteria provided, single submitter. Criteria: ACMG Guidelines, 2015. Collection method: clinical testing. Allele origin: germline.
Comment: This missense variant replaces histidine with arginine at codon 2430 of the ATM protein. Computational prediction suggests that this variant may not impact protein structure and function (internally defined REVEL score threshold <= 0.5, PMID: 27666373). Splice site prediction tools suggest that this variant may not impact RNA splicing. To our knowledge, functional studies have not been performed for this variant. This variant has not been reported in individuals affected with hereditary cancer in the literature. This variant has not been identified in the general population by the Genome Aggregation Database (gnomAD). The available evidence is insufficient to determine the role of this variant in disease conclusively. Therefore, this variant is classified as a Variant of Uncertain Significance.

Ambry Genetics
Classification: Uncertain significance for Hereditary cancer-predisposing syndrome. Last evaluated: 2024-02-22. Review status: criteria provided, single submitter. Criteria: Ambry Variant Classification Scheme 2023. Collection method: clinical testing. Allele origin: germline.
Comment: The p.H2430R variant (also known as c.7289A>G), located in coding exon 48 of the ATM gene, results from an A to G substitution at nucleotide position 7289. The histidine at codon 2430 is replaced by arginine, an amino acid with highly similar properties. This amino acid position is well conserved in available vertebrate species. In addition, this alteration is predicted to be tolerated by in silico analysis. Since supporting evidence is limited at this time, the clinical significance of this alteration remains unclear.

Department of Pathology and Laboratory Medicine, Sinai Health System
Classification: Uncertain significance for Familial cancer of breast. Last evaluated: 2022-01-11. Review status: criteria provided, single submitter. Criteria: ACMG Guidelines, 2015. Collection method: clinical testing. Allele origin: germline. Affected: yes.

Laboratory of Molecular Epidemiology of Birth Defects, West China Second University Hospital, Sichuan University
Classification: Benign for Ovarian cancer. Last evaluated: 2022-01-01. Review status: criteria provided, single submitter. Criteria: ACMG Guidelines, 2015. Collection method: clinical testing. Allele origin: germline. Affected: yes.